The following is an entry in ClinVar:

ClinVar aggregate classification (germline): Likely benign. Review status: criteria provided, multiple submitters, no conflicts (2 of 4 stars). 3 submissions from 3 submitters: Likely benign (2). 1 of the submissions does not count toward it. Last evaluated 2026-01-24.

Conditions:
BBS7-related disorder. Also called: BBS7-related condition.
Bardet-Biedl syndrome (BBS). Identifiers: Orphanet 110, MedGen C0752166, MONDO:0015229.

Allele frequency attached by ClinVar (database versions not stated): gnomAD exomes 0.00002 and 0.00003; ExAC 0.00003; gnomAD 0.00010 and 0.00011; TOPMed 0.00014; ESP Exome Variant Server 0.00015.
gnomAD v4.1: 43 of 1,609,632 alleles (0.0027%); highest among the groups gnomAD compares: African/African-American, 0.052%; 1 homozygote.

Submissions (3):

Labcorp Genetics (formerly Invitae), Labcorp
Classification: Likely benign for Bardet-Biedl syndrome. Last evaluated: 2026-01-24. Review status: criteria provided, single submitter. Criteria: Invitae Variant Classification Sherloc (09022015). Collection method: clinical testing. Allele origin: germline.

Blueprint Genetics
Classification: Likely benign. Last evaluated: 2023-05-19. Review status: criteria provided, single submitter. Criteria: ACMG Guidelines, 2015. Collection method: clinical testing. Allele origin: germline.

PreventionGenetics, part of Exact Sciences
Classification: Likely benign for BBS7-related condition. Last evaluated: 2020-11-24. Review status: no assertion criteria provided. Collection method: clinical testing. Allele origin: germline. Not counted in ClinVar's aggregate classification.
Comment: This variant is classified as likely benign based on ACMG/AMP sequence variant interpretation guidelines (Richards et al. 2015 PMID: 25741868, with internal and published modifications).

NM_176824.3(BBS7):c.718+9T>C

Gene: BBS7 (Bardet-Biedl syndrome 7; minus strand). Cytogenetic location: 4q27.
Variant type: single nucleotide variant.
Coding change: c.718+9T>C on transcript NM_176824.3 (MANE Select); 9 bases into the intron after coding-DNA position 718, T replaced by C.
Molecular consequence: intron variant.
Genome position (GRCh38, 1-based): chr4:121,854,695, A>G on the plus strand (T>C on the coding strand, the complement: BBS7 is on the minus strand). VCF-style: chr4-121854695-A-G. GRCh37 (hg19) VCF-style: chr4-122775850-A-G.
Other names: c.718+9T>C (NM_018190.4, NM_176824.2).
Identifiers: ClinVar variation 1144274 (VCV001144274.10), dbSNP rs374523374, ClinGen allele CA3064430.